The following is an entry in ClinVar:

ClinVar aggregate classification (germline): Conflicting classifications of pathogenicity. Review status: criteria provided, conflicting classifications (1 of 4 stars). 4 submissions from 4 submitters: Uncertain significance (2); Likely benign (2). Last evaluated 2026-03-01.

Conditions:
Inborn genetic diseases. Identifiers: MedGen C0950123, MeSH D030342.
Autosomal dominant epilepsy with auditory features. Identifiers: Orphanet 101046, MedGen C1838062, MONDO:0010898.

Allele frequency attached by ClinVar (database versions not stated): gnomAD 0.00002 and 0.00005; TOPMed 0.00003; gnomAD exomes 0.00004 and 0.00008; ExAC 0.00008; 1000 Genomes Project 30x 0.00031; 1000 Genomes Project 0.00040.
gnomAD v4.1: 71 of 1,614,108 alleles (0.0044%); highest among the groups gnomAD compares: East Asian, 0.018%; no homozygotes.

Submissions (4):

CeGaT Center for Human Genetics Tuebingen
Classification: Uncertain significance. Last evaluated: 2026-03-01. Review status: criteria provided, single submitter. Criteria: CeGaT Center For Human Genetics Tuebingen Variant Classification Criteria Version 2. Collection method: clinical testing. Allele origin: germline. Affected: yes. Observed: 2 variant alleles.
Comment: LGI1: PM2, PP2, PP3

Labcorp Genetics (formerly Invitae), Labcorp
Classification: Uncertain significance for Autosomal dominant epilepsy with auditory features. Last evaluated: 2025-12-03. Review status: criteria provided, single submitter. Criteria: Invitae Variant Classification Sherloc (09022015). Collection method: clinical testing. Allele origin: germline.
Comment: This sequence change replaces arginine, which is basic and polar, with histidine, which is basic and polar, at codon 407 of the LGI1 protein (p.Arg407His). This variant is present in population databases (rs201376381, gnomAD 0.04%). This variant has not been reported in the literature in individuals affected with LGI1-related conditions. ClinVar contains an entry for this variant (Variation ID: 464743). Invitae Evidence Modeling of protein sequence and biophysical properties (such as structural, functional, and spatial information, amino acid conservation, physicochemical variation, residue mobility, and thermodynamic stability) indicates that this missense variant is not expected to disrupt LGI1 protein function with a negative predictive value of 80%. In summary, the available evidence is currently insufficient to determine the role of this variant in disease. Therefore, it has been classified as a Variant of Uncertain Significance.

GeneDx
Classification: Likely benign. Last evaluated: 2020-05-13. Review status: criteria provided, single submitter. Criteria: GeneDx Variant Classification Process June 2021. Collection method: clinical testing. Allele origin: germline. Affected: yes.
Comment: This variant is associated with the following publications: (PMID: 29924869)

Ambry Genetics
Classification: Likely benign for Inborn genetic diseases. Last evaluated: 2018-09-21. Review status: criteria provided, single submitter. Criteria: Ambry Variant Classification Scheme 2023. Collection method: clinical testing. Allele origin: germline.

Literature cited by the submitters: PubMed 29924869 (cited by Ambry Genetics).

NM_005097.4(LGI1):c.1220G>A (p.Arg407His)

Gene: LGI1 (leucine rich glioma inactivated 1; plus strand). Cytogenetic location: 10q23.33.
Variant type: single nucleotide variant.
Coding change: c.1220G>A on transcript NM_005097.4 (MANE Select); coding-DNA position 1220, G replaced by A.
Protein change: p.Arg407His; replaces arginine 407 with histidine.
Molecular consequence: missense variant. On other transcripts: non-coding transcript variant (1), intron variant (1).
Genome position (GRCh38, 1-based): chr10:93,797,349, G>A. VCF-style: chr10-93797349-G-A. GRCh37 (hg19) VCF-style: chr10-95557106-G-A.
Other names: c.1076G>A, p.Arg359His (NM_001308276.2); c.839-400G>A (NM_001308275.2); short protein forms R407H, R359H.
Identifiers: ClinVar variation 464743 (VCV000464743.38), dbSNP rs201376381, ClinGen allele CA5611239.